The following is an entry in ClinVar:

ClinVar aggregate classification (germline): Uncertain significance (1 of 4 stars; one submission).

Submission:

Ambry Genetics
Classification: Uncertain significance. Last evaluated: 2023-03-27. Review status: criteria provided, single submitter. Criteria: Ambry Variant Classification Scheme 2023. Collection method: clinical testing. Allele origin: germline.
Comment: The p.G341A variant (also known as c.1022G>C), located in coding exon 3 of the TERF2IP gene, results from a G to C substitution at nucleotide position 1022. The glycine at codon 341 is replaced by alanine, an amino acid with similar properties. This amino acid position is conserved. In addition, the in silico prediction for this alteration is inconclusive. Since supporting evidence is limited at this time, the clinical significance of this alteration remains unclear.

NM_018975.4(TERF2IP):c.1022G>C (p.Gly341Ala)

Gene: TERF2IP (TERF2 interacting protein; plus strand). Cytogenetic location: 16q23.1.
Variant type: single nucleotide variant.
Coding change: c.1022G>C on transcript NM_018975.4 (MANE Select); coding-DNA position 1022, G replaced by C.
Protein change: p.Gly341Ala; replaces glycine 341 with alanine.
Molecular consequence: missense variant. On other transcripts: non-coding transcript variant (1).
Genome position (GRCh38, 1-based): chr16:75,656,433, G>C. VCF-style: chr16-75656433-G-C. GRCh37 (hg19) VCF-style: chr16-75690331-G-C.
Other names: short protein forms G341A.
Identifiers: ClinVar variation 2563449 (VCV002563449.2), dbSNP rs2507089643, ClinGen allele CA396820103.
Genomic context (GRCh38, chr16:75,656,433, plus strand): 5'-TAATGGAGAAGTTTAACTTGGATCTATCAACAGTTACACAGGCCTTCCTAAAAAATAGTG[G>C]TGAGCTGGAGGCTACTTCCGCCTTCTTAGCGTCTGGTCAGAGAGCTGATGGATATCCCAT-3'
Protein context (NP_061848.2, residues 331-351): TVTQAFLKNS[Gly341Ala]ELEATSAFLA